The following is an entry in ClinVar:

NM_004423.4(DVL3):c.285C>T (p.Asn95=)

Gene: DVL3 (dishevelled segment polarity protein 3; plus strand). Cytogenetic location: 3q27.1.
Variant type: single nucleotide variant.
Coding change: c.285C>T on transcript NM_004423.4 (MANE Select); coding-DNA position 285, C replaced by T.
Protein change: p.Asn95=; no amino-acid change (asparagine 95 retained).
Molecular consequence: synonymous variant.
Genome position (GRCh38, 1-based): chr3:184,164,320, C>T. VCF-style: chr3-184164320-C-T. GRCh37 (hg19) VCF-style: chr3-183882108-C-T.
Identifiers: ClinVar variation 728145 (VCV000728145.11), dbSNP rs147153174, ClinGen allele CA2727029.

ClinVar aggregate classification (germline): Benign/Likely benign. Review status: criteria provided, multiple submitters, no conflicts (2 of 4 stars). 3 submissions from 3 submitters: Benign (1); Likely benign (1). 1 of the submissions does not count toward it. Last evaluated 2025-10-06.

Conditions:
DVL3-related disorder. Also called: DVL3-related condition.

Allele frequency attached by ClinVar (database versions not stated): gnomAD exomes 0.00021 and 0.00049; ExAC 0.00060; gnomAD 0.00202 and 0.00217; TOPMed 0.00213; ESP Exome Variant Server 0.00215; 1000 Genomes Project 0.00280; 1000 Genomes Project 30x 0.00281.

Submissions (3):

Labcorp Genetics (formerly Invitae), Labcorp
Classification: Benign. Last evaluated: 2025-10-06. Review status: criteria provided, single submitter. Criteria: Invitae Variant Classification Sherloc (09022015). Collection method: clinical testing. Allele origin: germline.

Blueprint Genetics
Classification: Likely benign. Last evaluated: 2024-07-10. Review status: criteria provided, single submitter. Criteria: ACMG Guidelines, 2015. Collection method: clinical testing. Allele origin: germline.

PreventionGenetics, part of Exact Sciences
Classification: Benign for DVL3-related condition. Last evaluated: 2019-10-28. Review status: no assertion criteria provided. Collection method: clinical testing. Allele origin: germline. Not counted in ClinVar's aggregate classification.
Comment: This variant is classified as benign based on ACMG/AMP sequence variant interpretation guidelines (Richards et al. 2015 PMID: 25741868, with internal and published modifications).